The following is an entry in ClinVar:

ClinVar aggregate classification (germline): Likely benign (1 of 4 stars; one submission).

Allele frequency attached by ClinVar (database versions not stated): ESP Exome Variant Server 0.00146; ExAC 0.00152; gnomAD 0.00177; 1000 Genomes Project 0.00180; TOPMed 0.00195; 1000 Genomes Project 30x 0.00219; gnomAD exomes 0.00281.
gnomAD v4.1: 4,346 of 1,614,038 alleles (0.27%); highest among the groups gnomAD compares: Non-Finnish European, 0.34%; 11 homozygotes.

Submission:

CeGaT Center for Human Genetics Tuebingen
Classification: Likely benign. Last evaluated: 2025-07-01. Review status: criteria provided, single submitter. Criteria: CeGaT Center For Human Genetics Tuebingen Variant Classification Criteria Version 2. Collection method: clinical testing. Allele origin: germline. Affected: yes. Observed: 2 variant alleles.
Comment: TULP4: BP4, BP7

NM_020245.5(TULP4):c.852G>A (p.Gly284=)

Gene: TULP4 (TUB like protein 4; plus strand). Cytogenetic location: 6q25.3.
Variant type: single nucleotide variant.
Coding change: c.852G>A on transcript NM_020245.5 (MANE Select); coding-DNA position 852, G replaced by A.
Protein change: p.Gly284=; no amino-acid change (glycine 284 retained).
Molecular consequence: synonymous variant.
Genome position (GRCh38, 1-based): chr6:158,452,261, G>A. VCF-style: chr6-158452261-G-A. GRCh37 (hg19) VCF-style: chr6-158873293-G-A.
Other names: c.852G>A, p.Gly284= (NM_001007466.3).
Identifiers: ClinVar variation 2657086 (VCV002657086.24), dbSNP rs41266333, ClinGen allele CA4071843.